The following is an entry in ClinVar:

NM_206538.4(EMC10):c.*351C>T

Gene: EMC10 (ER membrane protein complex subunit 10; plus strand). Cytogenetic location: 19q13.33.
Variant type: single nucleotide variant.
Coding change: c.*351C>T on transcript NM_206538.4 (MANE Select); 351 bases downstream of the stop codon, C replaced by T.
Molecular consequence: 3 prime UTR variant.
Genome position (GRCh38, 1-based): chr19:50,482,610, C>T. VCF-style: chr19-50482610-C-T. GRCh37 (hg19) VCF-style: chr19-50985867-C-T.
Other names: c.*462C>T (NM_175063.6).
Identifiers: ClinVar variation 2650350 (VCV002650350.24), dbSNP rs190632582, ClinGen allele CA9599302.
Genomic context (GRCh38, chr19:50,482,610, plus strand): 5'-ACTATGCCAGTTCTGACCTCGCATCCCCCTACCCCGAGCCCATGCAGTCTGGGAACATGC[C>T]GCCTTCTCTCCAGCCTCTGTGCCTTTGTTCCAGGTGGTCTCACCCTCCTGTCCCTGGCTG-3'

ClinVar aggregate classification (germline): Likely benign (1 of 4 stars; one submission).

Allele frequency attached by ClinVar (database versions not stated): 1000 Genomes Project 0.00220; 1000 Genomes Project 30x 0.00250; TOPMed 0.00553; gnomAD 0.00618; gnomAD exomes 0.00783; ExAC 0.00825.
gnomAD v4.1: 3,537 of 489,964 alleles (0.72%); highest among the groups gnomAD compares: Non-Finnish European, 0.98%; 26 homozygotes.

Submission:

CeGaT Center for Human Genetics Tuebingen
Classification: Likely benign. Last evaluated: 2023-04-01. Review status: criteria provided, single submitter. Criteria: CeGaT Center For Human Genetics Tuebingen Variant Classification Criteria Version 2. Collection method: clinical testing. Allele origin: germline. Affected: yes. Observed: 8 variant alleles.
Comment: EMC10: BS2